The following is an entry in ClinVar:

NC_000005.9:g.(?_473494)_(524437_?)dup

Gene: SLC9A3 (solute carrier family 9 member A3). Cytogenetic location: 5p15.33.
Variant type: Duplication.
Identifiers: ClinVar variation 2425025 (VCV002425025.3).

ClinVar aggregate classification (germline): Uncertain significance (1 of 4 stars; one submission).

Submission:

Labcorp Genetics (formerly Invitae), Labcorp
Classification: Uncertain significance. Last evaluated: 2022-10-18. Review status: criteria provided, single submitter. Criteria: Invitae Variant Classification Sherloc (09022015). Collection method: clinical testing. Allele origin: germline.
Comment: A copy number gain of the genomic region encompassing the full coding sequence of the SLC9A3 gene has been identified. The boundaries of this event are unknown as they extend beyond the assayed region for this gene and therefore may encompass additional genes. As the precise location of this event is unknown, it may be in tandem or it may be located elsewhere in the genome. This variant has not been reported in the literature in individuals affected with SLC9A3-related conditions. In summary, the available evidence is currently insufficient to determine the role of this variant in disease. Therefore, it has been classified as a Variant of Uncertain Significance.